The following is an entry in ClinVar:

NM_001110556.2(FLNA):c.7089G>A (p.Ala2363=)

Gene: FLNA (filamin A; minus strand). Cytogenetic location: Xq28.
Variant type: single nucleotide variant.
Coding change: c.7089G>A on transcript NM_001110556.2 (MANE Select); coding-DNA position 7089, G replaced by A.
Protein change: p.Ala2363=; no amino-acid change (alanine 2363 retained).
Molecular consequence: synonymous variant.
Genome position (GRCh38, 1-based): chrX:154,350,976, C>T on the plus strand (G>A on the coding strand, the complement: FLNA is on the minus strand). VCF-style: chrX-154350976-C-T. GRCh37 (hg19) VCF-style: chrX-153579344-C-T.
Other names: c.7089G>A (NM_001110556.1); c.7065G>A, p.Ala2355= (NM_001456.4).
Identifiers: ClinVar variation 698513 (VCV000698513.41), dbSNP rs781843787, ClinGen allele CA10559958.

ClinVar aggregate classification (germline): Likely benign. Review status: criteria provided, multiple submitters, no conflicts (2 of 4 stars). 6 submissions from 6 submitters: Likely benign (5). 1 of the submissions does not count toward it. Last evaluated 2026-01-19.

Conditions:
Familial thoracic aortic aneurysm and aortic dissection (TAAD). Also called: Thoracic aortic aneurysms and dissections. Identifiers: Orphanet 91387, MedGen C4707243, MONDO:0019625.
Heterotopia, periventricular, X-linked dominant (PVNH1). Also called: X-linked periventricular heterotopia; PERIVENTRICULAR NODULAR HETEROTOPIA 1; PERIVENTRICULAR NODULAR HETEROTOPIA 4; HETEROTOPIA, PERIVENTRICULAR, 1. Identifiers: Orphanet 2149, Orphanet 82004, MedGen C1848213, MONDO:0010233, OMIM 300049.
Melnick-Needles syndrome (MNS). Also called: Melnick-Needles Syndrome (FLNA-MNS); MELNICK-NEEDLES OSTEODYSPLASTY; OSTEODYSPLASTY OF MELNICK AND NEEDLES. Identifiers: Orphanet 2484, MedGen C0025237, MONDO:0010650, OMIM 309350.
Frontometaphyseal dysplasia (FMD1). Identifiers: Orphanet 1826, MedGen C0265293, MONDO:0015942.
Oto-palato-digital syndrome, type II (OPD2). Also called: Otopalatodigital Syndrome, Type II; Otopalatodigital Syndrome Type 2 (FLNA-OPD2); FACIOPALATOOSSEOUS SYNDROME; OPD II SYNDROME. Identifiers: Orphanet 669, Orphanet 90652, MedGen C1844696, MONDO:0010571, OMIM 304120.
FLNA-related disorder.

Allele frequency attached by ClinVar (database versions not stated): ExAC 0.00001; gnomAD exomes 0.00001 and 0.00002; gnomAD 0.00002; TOPMed 0.00003.
gnomAD v4.1: 30 of 1,209,700 alleles (0.0025%); highest among the groups gnomAD compares: Middle Eastern, 0.023%; no homozygotes.

Submissions (6):

Labcorp Genetics (formerly Invitae), Labcorp
Classification: Likely benign for Oto-palato-digital syndrome, type II; Heterotopia, periventricular, X-linked dominant; Frontometaphyseal dysplasia; Melnick-Needles syndrome. Last evaluated: 2026-01-19. Review status: criteria provided, single submitter. Criteria: Invitae Variant Classification Sherloc (09022015). Collection method: clinical testing. Allele origin: germline.

ARUP Laboratories, Molecular Genetics and Genomics, ARUP Laboratories
Classification: Likely benign. Last evaluated: 2025-02-06. Review status: criteria provided, single submitter. Criteria: ARUP Molecular Germline Variant Investigation Process 2024. Collection method: clinical testing. Allele origin: germline.

Blueprint Genetics
Classification: Likely benign. Last evaluated: 2024-09-19. Review status: criteria provided, single submitter. Criteria: ACMG Guidelines, 2015. Collection method: clinical testing. Allele origin: germline.

CeGaT Center for Human Genetics Tuebingen
Classification: Likely benign. Last evaluated: 2024-06-01. Review status: criteria provided, single submitter. Criteria: CeGaT Center For Human Genetics Tuebingen Variant Classification Criteria Version 2. Collection method: clinical testing. Allele origin: germline. Affected: yes. Observed: 1 variant allele.
Comment: FLNA: BP4, BP7

Ambry Genetics
Classification: Likely benign for Familial thoracic aortic aneurysm and aortic dissection. Last evaluated: 2021-02-03. Review status: criteria provided, single submitter. Criteria: Ambry Variant Classification Scheme 2023. Collection method: clinical testing. Allele origin: germline.

PreventionGenetics, part of Exact Sciences
Classification: Likely benign for FLNA-related condition. Last evaluated: 2020-12-08. Review status: no assertion criteria provided. Collection method: clinical testing. Allele origin: germline. Not counted in ClinVar's aggregate classification.
Comment: This variant is classified as likely benign based on ACMG/AMP sequence variant interpretation guidelines (Richards et al. 2015 PMID: 25741868, with internal and published modifications).